The following is an entry in ClinVar:

ClinVar aggregate classification (germline): Uncertain significance (1 of 4 stars; one submission).

Conditions:
Neuronal ceroid lipofuscinosis. Also called: Neuronal Ceroid Lipofuscinoses. Identifiers: Orphanet 216, Orphanet 79263, MedGen C0027877, MONDO:0016295. Disease mechanism: loss of function.

Submission:

Labcorp Genetics (formerly Invitae), Labcorp
Classification: Uncertain significance for Neuronal ceroid lipofuscinosis. Last evaluated: 2024-02-05. Review status: criteria provided, single submitter. Criteria: Invitae Variant Classification Sherloc (09022015). Collection method: clinical testing. Allele origin: germline.
Comment: This sequence change replaces asparagine, which is neutral and polar, with isoleucine, which is neutral and non-polar, at codon 48 of the CLN3 protein (p.Asn48Ile). This variant is not present in population databases (gnomAD no frequency). This variant has not been reported in the literature in individuals affected with CLN3-related conditions. ClinVar contains an entry for this variant (Variation ID: 2131831). Advanced modeling of protein sequence and biophysical properties (such as structural, functional, and spatial information, amino acid conservation, physicochemical variation, residue mobility, and thermodynamic stability) performed at Invitae indicates that this missense variant is expected to disrupt CLN3 protein function with a positive predictive value of 80%. In summary, the available evidence is currently insufficient to determine the role of this variant in disease. Therefore, it has been classified as a Variant of Uncertain Significance.

NM_001042432.2(CLN3):c.143A>T (p.Asn48Ile)

Gene: CLN3 (CLN3 lysosomal/endosomal transmembrane protein, battenin; minus strand). Cytogenetic location: 16p12.1.
Variant type: single nucleotide variant.
Coding change: c.143A>T on transcript NM_001042432.2 (MANE Select); coding-DNA position 143, A replaced by T.
Protein change: p.Asn48Ile; replaces asparagine 48 with isoleucine.
Molecular consequence: missense variant. On other transcripts: 5 prime UTR variant (3).
Genome position (GRCh38, 1-based): chr16:28,489,369, T>A on the plus strand (A>T on the coding strand, the complement: CLN3 is on the minus strand). VCF-style: chr16-28489369-T-A. GRCh37 (hg19) VCF-style: chr16-28500690-T-A.
Other names: c.143A>T, p.Asn48Ile (NM_000086.2, NM_001286104.2); c.-78A>T (NM_001286105.2); c.-20A>T (NM_001286109.2, NM_001286110.2); short protein forms N48I.
Identifiers: ClinVar variation 2131831 (VCV002131831.4), dbSNP rs2506508693, ClinGen allele CA395346548.
Genomic context (GRCh38, chr16:28,489,369, plus strand): 5'-GTCCTCTTGTGGCTAAGGATGTCGTGGGCGGCACTCAGCATCACCACATAAGAGAAGTTG[T>A]TGCAAAGGCCCAGCAGCCTGGAAGGAGCAGGACAGGTCTCAACTCCCTCCTCATCCTGCA-3'
Protein context (NP_001035897.1, residues 38-58): AVGFWLLGLC[Asn48Ile]NFSYVVMLSA